The following is an entry in ClinVar:

ClinVar aggregate classification (germline): Uncertain significance (1 of 4 stars; one submission).

Submission:

Labcorp Genetics (formerly Invitae), Labcorp
Classification: Uncertain significance. Last evaluated: 2021-12-25. Review status: criteria provided, single submitter. Criteria: Invitae Variant Classification Sherloc (09022015). Collection method: clinical testing. Allele origin: germline.
Comment: In summary, the available evidence is currently insufficient to determine the role of this variant in disease. Therefore, it has been classified as a Variant of Uncertain Significance. Advanced modeling of protein sequence and biophysical properties (such as structural, functional, and spatial information, amino acid conservation, physicochemical variation, residue mobility, and thermodynamic stability) performed at Invitae indicates that this missense variant is not expected to disrupt FAT4 protein function. This variant has not been reported in the literature in individuals affected with FAT4-related conditions. This variant is not present in population databases (gnomAD no frequency). This sequence change replaces leucine, which is neutral and non-polar, with serine, which is neutral and polar, at codon 2272 of the FAT4 protein (p.Leu2272Ser).

NM_001291303.3(FAT4):c.6815T>C (p.Leu2272Ser)

Gene: FAT4 (FAT atypical cadherin 4; plus strand). Cytogenetic location: 4q28.1.
Variant type: single nucleotide variant.
Coding change: c.6815T>C on transcript NM_001291303.3 (MANE Select); coding-DNA position 6815, T replaced by C.
Protein change: p.Leu2272Ser; replaces leucine 2272 with serine.
Molecular consequence: missense variant.
Genome position (GRCh38, 1-based): chr4:125,415,778, T>C. VCF-style: chr4-125415778-T-C. GRCh37 (hg19) VCF-style: chr4-126336933-T-C.
Other names: c.6815T>C, p.Leu2272Ser (NM_001291285.3, NM_024582.6); short protein forms L2272S.
Identifiers: ClinVar variation 2060614 (VCV002060614.2), dbSNP rs2530783794, ClinGen allele CA358130595.